The following is an entry in ClinVar:

NM_001082486.2(ACD):c.821G>A (p.Ser274Asn)

Gene: ACD (ACD shelterin complex subunit and telomerase recruitment factor; minus strand). Cytogenetic location: 16q22.1.
Variant type: single nucleotide variant.
Coding change: c.821G>A on transcript NM_001082486.2 (MANE Select); coding-DNA position 821, G replaced by A.
Protein change: p.Ser274Asn; replaces serine 274 with asparagine.
Molecular consequence: missense variant.
Genome position (GRCh38, 1-based): chr16:67,658,563, C>T on the plus strand (G>A on the coding strand, the complement: ACD is on the minus strand). VCF-style: chr16-67658563-C-T. GRCh37 (hg19) VCF-style: chr16-67692466-C-T.
Other names: c.812G>A, p.Ser271Asn (NM_022914.3); short protein forms S274N, S271N.
Identifiers: ClinVar variation 1785781 (VCV001785781.3), dbSNP rs1020115914, ClinGen allele CA283217522.

ClinVar aggregate classification (germline): Uncertain significance. Review status: criteria provided, multiple submitters, no conflicts (2 of 4 stars). 2 submissions from 2 submitters: Uncertain significance (2). Last evaluated 2025-09-09.

Conditions:
Inborn genetic diseases. Identifiers: MedGen C0950123, MeSH D030342.
Dyskeratosis congenita, autosomal dominant 6 (DKCA6). Identifiers: Orphanet 3322, MedGen C4225284, MONDO:0014690, OMIM 616553.

Allele frequency attached by ClinVar (database versions not stated): gnomAD 0.00001; TOPMed 0.00001.
gnomAD v4.1: 6 of 1,566,058 alleles (0.00038%); highest among the groups gnomAD compares: Non-Finnish European, 0.00052%; no homozygotes.

Submissions (2):

Labcorp Genetics (formerly Invitae), Labcorp
Classification: Uncertain significance for Dyskeratosis congenita, autosomal dominant 6. Last evaluated: 2025-09-09. Review status: criteria provided, single submitter. Criteria: Invitae Variant Classification Sherloc (09022015). Collection method: clinical testing. Allele origin: germline.
Comment: This sequence change replaces serine, which is neutral and polar, with asparagine, which is neutral and polar, at codon 360 of the ACD protein (p.Ser360Asn). This variant is not present in population databases (gnomAD no frequency). This variant has not been reported in the literature in individuals affected with ACD-related conditions. ClinVar contains an entry for this variant (Variation ID: 1785781). Invitae Evidence Modeling of protein sequence and biophysical properties (such as structural, functional, and spatial information, amino acid conservation, physicochemical variation, residue mobility, and thermodynamic stability) indicates that this missense variant is not expected to disrupt ACD protein function with a negative predictive value of 80%. In summary, the available evidence is currently insufficient to determine the role of this variant in disease. Therefore, it has been classified as a Variant of Uncertain Significance.

Ambry Genetics
Classification: Uncertain significance for Inborn genetic diseases. Last evaluated: 2022-10-22. Review status: criteria provided, single submitter. Criteria: Ambry Variant Classification Scheme 2023. Collection method: clinical testing. Allele origin: germline.
Comment: The p.S360N variant (also known as c.1079G>A), located in coding exon 9 of the ACD gene, results from a G to A substitution at nucleotide position 1079. The serine at codon 360 is replaced by asparagine, an amino acid with highly similar properties. This amino acid position is conserved. In addition, this alteration is predicted to be tolerated by in silico analysis. Since supporting evidence is limited at this time, the clinical significance of this alteration remains unclear.